The following is an entry in ClinVar:

NM_000038.6(APC):c.7899T>C (p.Gly2633=)

Gene: APC (APC regulator of Wnt signaling pathway; plus strand). Cytogenetic location: 5q22.2.
Variant type: single nucleotide variant.
Coding change: c.7899T>C on transcript NM_000038.6 (MANE Select); coding-DNA position 7899, T replaced by C.
Protein change: p.Gly2633=; no amino-acid change (glycine 2633 retained).
Molecular consequence: synonymous variant.
Genome position (GRCh38, 1-based): chr5:112,843,493, T>C. VCF-style: chr5-112843493-T-C. GRCh37 (hg19) VCF-style: chr5-112179190-T-C.
Other names: c.7899T>C, p.Gly2633= (NM_001127510.3, NM_001354895.2); c.7845T>C, p.Gly2615= (NM_001127511.3); c.7953T>C, p.Gly2651= (NM_001354896.2); c.7929T>C, p.Gly2643= (NM_001354897.2); c.7824T>C, p.Gly2608= (NM_001354898.2); c.7815T>C, p.Gly2605= (NM_001354899.2); c.7776T>C, p.Gly2592= (NM_001354900.2); c.7722T>C, p.Gly2574= (NM_001354901.2); and 5 more.
Identifiers: ClinVar variation 1316498 (VCV001316498.6), dbSNP rs2149995808, ClinGen allele CA446210944.
Genomic context (GRCh38, chr5:112,843,493, plus strand): 5'-AAAAATAAAAGAAAATGAATTTTCTCCCACAAATAGTACTTCTCAGACCGTTTCCTCAGG[T>C]GCTACAAATGGTGCTGAATCAAAGACTCTAATTTATCAAATGGCACCTGCTGTTTCTAAA-3'
Protein context (NP_000029.2, residues 2623-2643): TNSTSQTVSS[Gly2633=]ATNGAESKTL

ClinVar aggregate classification (germline): Conflicting classifications of pathogenicity. Review status: criteria provided, conflicting classifications (1 of 4 stars). 3 submissions from 3 submitters: Uncertain significance (1); Likely benign (2). Last evaluated 2025-07-07.

Conditions:
Hereditary cancer-predisposing syndrome. Also called: Hereditary neoplastic syndrome; Neoplastic Syndromes, Hereditary; Tumor predisposition; Hereditary Cancer Syndrome. Identifiers: Orphanet 140162, MedGen C0027672, MeSH D009386, MONDO:0015356.
Familial adenomatous polyposis 1 (FAP1). Also called: POLYPOSIS, ADENOMATOUS INTESTINAL; FAMILIAL ADENOMATOUS POLYPOSIS 1, ATTENUATED. Identifiers: MedGen C2713442, MONDO:0021056, OMIM 175100. Disease mechanism: loss of function.

Submissions (3):

Labcorp Genetics (formerly Invitae), Labcorp
Classification: Likely benign for Familial adenomatous polyposis 1. Last evaluated: 2025-07-07. Review status: criteria provided, single submitter. Criteria: Invitae Variant Classification Sherloc (09022015). Collection method: clinical testing. Allele origin: germline.

Ambry Genetics
Classification: Likely benign for Hereditary cancer-predisposing syndrome. Last evaluated: 2025-05-16. Review status: criteria provided, single submitter. Criteria: Ambry Variant Classification Scheme 2023. Collection method: clinical testing. Allele origin: germline.

GeneDx
Classification: Uncertain significance. Last evaluated: 2019-04-10. Review status: criteria provided, single submitter. Criteria: GeneDx Variant Classification Process June 2021. Collection method: clinical testing. Allele origin: germline. Affected: yes.
Comment: Has not been previously published as pathogenic or benign to our knowledge; Not observed in large population cohorts (Lek et al., 2016); In silico analysis, which includes splice predictors and evolutionary conservation, supports that this variant does not alter protein structure/function